The following is an entry in ClinVar:

ClinVar aggregate classification (germline): Uncertain significance. Review status: criteria provided, multiple submitters, no conflicts (2 of 4 stars). 2 submissions from 2 submitters: Uncertain significance (2). Last evaluated 2024-02-22.

Conditions:
Hereditary nonpolyposis colorectal neoplasms. Identifiers: MedGen C0009405, MeSH D003123.
Lynch syndrome. Identifiers: Orphanet 144, MedGen C4552100, MONDO:0005835. Disease mechanism: loss of function.

Submissions (2):

All of Us Research Program, National Institutes of Health
Classification: Uncertain significance for Lynch syndrome. Last evaluated: 2024-02-22. Review status: criteria provided, single submitter. Criteria: ACMG Guidelines, 2015. Collection method: clinical testing. Allele origin: germline. Inheritance: Autosomal dominant inheritance. Observed: 1 variant allele, 1 heterozygote.
Comment: This missense variant replaces glutamic acid with valine at codon 1254 of the MSH6 protein. Computational prediction suggests that this variant may have deleterious impact on protein structure and function (internally defined REVEL score threshold >= 0.7, PMID: 27666373). To our knowledge, functional studies have not been reported for this variant. This variant has not been reported in individuals affected with MSH6-related disorders in the literature. This variant has not been identified in the general population by the Genome Aggregation Database (gnomAD). The available evidence is insufficient to determine the role of this variant in disease conclusively. Therefore, this variant is classified as a Variant of Uncertain Significance.

This study involves interpretation of variants in research participants for the purpose of population health screening. Participant phenotype was not available at the time of variant classification. Additional details can be found in publication PMID: 35346344, PMCID: PMC8962531

Labcorp Genetics (formerly Invitae), Labcorp
Classification: Uncertain significance for Hereditary nonpolyposis colorectal neoplasms. Last evaluated: 2023-05-23. Review status: criteria provided, single submitter. Criteria: Invitae Variant Classification Sherloc (09022015). Collection method: clinical testing. Allele origin: germline.
Comment: This variant is not present in population databases (gnomAD no frequency). In summary, the available evidence is currently insufficient to determine the role of this variant in disease. Therefore, it has been classified as a Variant of Uncertain Significance. Advanced modeling of protein sequence and biophysical properties (such as structural, functional, and spatial information, amino acid conservation, physicochemical variation, residue mobility, and thermodynamic stability) performed at Invitae indicates that this missense variant is not expected to disrupt MSH6 protein function. This variant has not been reported in the literature in individuals affected with MSH6-related conditions. This sequence change replaces glutamic acid, which is acidic and polar, with valine, which is neutral and non-polar, at codon 1254 of the MSH6 protein (p.Glu1254Val).

NM_000179.3(MSH6):c.3761A>T (p.Glu1254Val)

Gene: MSH6 (mutS homolog 6; plus strand). Cytogenetic location: 2p16.3.
Variant type: single nucleotide variant.
Coding change: c.3761A>T on transcript NM_000179.3 (MANE Select); coding-DNA position 3761, A replaced by T.
Protein change: p.Glu1254Val; replaces glutamic acid 1254 with valine.
Molecular consequence: missense variant. On other transcripts: non-coding transcript variant (5).
Genome position (GRCh38, 1-based): chr2:47,806,318, A>T. VCF-style: chr2-47806318-A-T. GRCh37 (hg19) VCF-style: chr2-48033457-A-T.
Other names: c.3371A>T, p.Glu1124Val (NM_001281492.2); c.2855A>T, p.Glu952Val (NM_001281493.2, NM_001281494.2, NM_001406811.1 and 6 more transcripts); c.3857A>T, p.Glu1286Val (NM_001406795.1, NM_001406802.1); c.3761A>T, p.Glu1254Val (NM_001406796.1, NM_001406800.1, NM_001406808.1 and 1 more transcripts); c.3464A>T, p.Glu1155Val (NM_001406797.1, NM_001406801.1, NM_001406805.1 and 10 more transcripts); c.3587A>T, p.Glu1196Val (NM_001406798.1); c.3236A>T, p.Glu1079Val (NM_001406799.1, NM_001406806.1, NM_001406807.1); c.2897A>T, p.Glu966Val (NM_001406803.1); and 7 more; short protein forms E1124V, E1256V, E181V, E203V, E952V, E966V, E1196V, E1198V.
Identifiers: ClinVar variation 2996953 (VCV002996953.4), dbSNP rs1572745077, ClinGen allele CA346761104.